The following is an entry in ClinVar:

ClinVar aggregate classification (germline): Pathogenic. Review status: criteria provided, single submitter (1 of 4 stars). 2 submissions from 2 submitters: Pathogenic (1). 1 of the submissions does not count toward it. Last evaluated 2024-04-25.

Conditions:
Early-infantile DEE. Also called: Early infantile epileptic encephalopathy; Early infantile epileptic encephalopathy with suppression bursts; Ohtahara syndrome. Identifiers: Orphanet 1934, MedGen C0393706, MONDO:0800491.
Generalized epilepsy with febrile seizures plus, type 1 (GEFSP1). Also called: GEFS+, TYPE 1. Identifiers: Orphanet 36387, MedGen C1858672, MONDO:0011416, OMIM 604233.

Submissions (3):

Labcorp Genetics (formerly Invitae), Labcorp
Classification: Pathogenic for Early-infantile DEE. Last evaluated: 2024-04-25. Review status: criteria provided, single submitter. Criteria: Invitae Variant Classification Sherloc (09022015). Collection method: clinical testing. Allele origin: germline.
Comment: This sequence change replaces tyrosine, which is neutral and polar, with cysteine, which is neutral and slightly polar, at codon 790 of the SCN1A protein (p.Tyr790Cys). This variant is not present in population databases (gnomAD no frequency). This missense change has been observed in individual(s) with autosomal dominant SCN1A-related conditions (PMID: 12919402). It has also been observed to segregate with disease in related individuals. This variant is also known as A2336G, Tyr779Cys. ClinVar contains an entry for this variant (Variation ID: 68590). Advanced modeling of protein sequence and biophysical properties (such as structural, functional, and spatial information, amino acid conservation, physicochemical variation, residue mobility, and thermodynamic stability) performed at Invitae indicates that this missense variant is expected to disrupt SCN1A protein function with a positive predictive value of 95%. Experimental studies have shown that this missense change affects SCN1A function (PMID: 25576396). This variant disrupts the p.Tyr790 amino acid residue in SCN1A. Other variant(s) that disrupt this residue have been determined to be pathogenic (PMID: 17679682, 28202706, 30977726). This suggests that this residue is clinically significant, and that variants that disrupt this residue are likely to be disease-causing. For these reasons, this variant has been classified as Pathogenic.

Channelopathy-Associated Epilepsy Research Center
No classification provided (evidence only). Condition: Severe myoclonic epilepsy in infancy. Review status: no classification provided. Collection method: literature only. Allele origin: not applicable. Functional consequence: Severe decrease in peak current, Overall loss-of-function effect with respect to biophysical channel activity. Not counted in ClinVar's aggregate classification.
ClinVar note: "not provided" was previously submitted as the classification for the variant. However, the classification appeared to be based only on an observation of functional data so it was converted to no classification on 2025-07-30.

UniProtKB/Swiss-Prot
No classification provided. Condition: Generalized epilepsy with febrile seizures plus, type 1. Review status: no classification provided. Collection method: not provided. Allele origin: not provided. Not counted in ClinVar's aggregate classification.

Literature cited by the submitters: PubMed 12919402 (cited by Labcorp Genetics (formerly Invitae), Labcorp); PubMed 25576396 (cited by Labcorp Genetics (formerly Invitae), Labcorp and Channelopathy-Associated Epilepsy Research Center); PubMed 17679682 (cited by Labcorp Genetics (formerly Invitae), Labcorp); PubMed 28202706 (cited by Labcorp Genetics (formerly Invitae), Labcorp); PubMed 30977726 (cited by Labcorp Genetics (formerly Invitae), Labcorp).

NM_001165963.4(SCN1A):c.2369A>G (p.Tyr790Cys)

Gene: SCN1A (sodium voltage-gated channel alpha subunit 1; minus strand). Cytogenetic location: 2q24.3.
Variant type: single nucleotide variant.
Coding change: c.2369A>G on transcript NM_001165963.4 (MANE Select); coding-DNA position 2369, A replaced by G.
Protein change: p.Tyr790Cys; replaces tyrosine 790 with cysteine.
Molecular consequence: missense variant. On other transcripts: 5 prime UTR variant (1), non-coding transcript variant (1).
Genome position (GRCh38, 1-based): chr2:166,041,277, T>C on the plus strand (A>G on the coding strand, the complement: SCN1A is on the minus strand). VCF-style: chr2-166041277-T-C. GRCh37 (hg19) VCF-style: chr2-166897787-T-C.
Other names: c.2285A>G, p.Tyr762Cys (NM_001165964.3, NM_001353957.2, NM_001353958.2); c.2369A>G, p.Tyr790Cys (NM_001202435.3, NM_001353948.2); c.2336A>G, p.Tyr779Cys (NM_001353949.2, NM_001353950.2, NM_001353951.2 and 2 more transcripts); c.2333A>G, p.Tyr778Cys (NM_001353954.2, NM_001353955.2); c.2282A>G, p.Tyr761Cys (NM_001353960.2); c.-90A>G (NM_001353961.2); short protein forms Y779C, Y790C, Y762C, Y778C, Y761C.
Identifiers: ClinVar variation 68590 (VCV000068590.7), dbSNP rs121918782, ClinGen allele CA266101.